The following is an entry in ClinVar:

ClinVar aggregate classification (germline): Uncertain significance. Review status: criteria provided, multiple submitters, no conflicts (2 of 4 stars). 3 submissions from 3 submitters: Uncertain significance (3). Last evaluated 2026-10-01.

Conditions:
Inborn genetic diseases. Identifiers: MedGen C0950123, MeSH D030342.
Ataxia-pancytopenia syndrome (ATXPC). Also called: SAMD9L-Related Syndrome; SAMD9L Ataxia-Pancytopenia Syndrome. Identifiers: Orphanet 2585, MedGen C1327919, MONDO:0008038, OMIM 159550.

Allele frequency attached by ClinVar (database versions not stated): gnomAD exomes below 0.00001.

Submissions (3):

St. Jude Molecular Pathology, St. Jude Children's Research Hospital
Classification: Uncertain significance for Ataxia-pancytopenia syndrome. Last evaluated: 2026-10-01. Review status: criteria provided, single submitter. Criteria: St. Jude Assertion Criteria 2020. Collection method: clinical testing. Allele origin: germline.
Comment: The SAMD9L c.258T>G p.(Asp86Glu) missense change has a maximum subpopulation frequency of 0.002% in gnomAD v2.1.1. The in silico tool REVEL predicts a benign effect on protein function, but to our knowledge this prediction has not been confirmed by functional studies. In silico predictions have not been found to correlate with syndromic risk and are not considered supporting evidence of a pathogenic or benign effect (PMID: 34621053). To our knowledge, this variant has not been reported in individuals with ataxia-pancytopenia syndrome or monosomy 7 myelodysplasia and leukemia syndrome. In summary, the evidence currently available is insufficient to determine the clinical significance of this variant. It has therefore been classified as of uncertain significance.

Ambry Genetics
Classification: Uncertain significance for Inborn genetic diseases. Last evaluated: 2024-12-14. Review status: criteria provided, single submitter. Criteria: Ambry Variant Classification Scheme 2023. Collection method: clinical testing. Allele origin: germline.
Comment: The p.D86E variant (also known as c.258T>G), located in coding exon 1 of the SAMD9L gene, results from a T to G substitution at nucleotide position 258. The aspartic acid at codon 86 is replaced by glutamic acid, an amino acid with highly similar properties. This amino acid position is conserved. In addition, this alteration is predicted to be tolerated by in silico analysis. Based on the available evidence, the clinical significance of this variant remains unclear.

GeneDx
Classification: Uncertain significance. Last evaluated: 2022-03-31. Review status: criteria provided, single submitter. Criteria: GeneDx Variant Classification Process June 2021. Collection method: clinical testing. Allele origin: germline. Affected: yes.
Comment: Not observed at significant frequency in large population cohorts (gnomAD); In silico analysis supports that this missense variant does not alter protein structure/function; Has not been previously published as pathogenic or benign to our knowledge

NM_152703.5(SAMD9L):c.258T>G (p.Asp86Glu)

Gene: SAMD9L (sterile alpha motif domain containing 9 like; minus strand). Cytogenetic location: 7q21.2.
Variant type: single nucleotide variant.
Coding change: c.258T>G on transcript NM_152703.5 (MANE Select); coding-DNA position 258, T replaced by G.
Protein change: p.Asp86Glu; replaces aspartic acid 86 with glutamic acid.
Molecular consequence: missense variant.
Genome position (GRCh38, 1-based): chr7:93,135,714, A>C on the plus strand (T>G on the coding strand, the complement: SAMD9L is on the minus strand). VCF-style: chr7-93135714-A-C. GRCh37 (hg19) VCF-style: chr7-92765027-A-C.
Other names: c.258T>G (NM_152703.2); c.258T>G, p.Asp86Glu (NM_001303496.3, NM_001303497.3, NM_001303498.3 and 5 more transcripts); short protein forms D86E.
Identifiers: ClinVar variation 1707941 (VCV001707941.5), dbSNP rs1462751874, ClinGen allele CA368206414.